The following is an entry in ClinVar:

NM_007294.4(BRCA1):c.5510G>A (p.Trp1837Ter)

Gene: BRCA1 (BRCA1 DNA repair associated; minus strand). Cytogenetic location: 17q21.31.
Variant type: single nucleotide variant.
Coding change: c.5510G>A on transcript NM_007294.4 (MANE Select); coding-DNA position 5510, G replaced by A.
Protein change: p.Trp1837Ter; replaces tryptophan 1837 with a stop codon.
Molecular consequence: nonsense. On other transcripts: 3 prime UTR variant (1), non-coding transcript variant (1).
Genome position (GRCh38, 1-based): chr17:43,045,760, C>T on the plus strand (G>A on the coding strand, the complement: BRCA1 is on the minus strand). VCF-style: chr17-43045760-C-T. GRCh37 (hg19) VCF-style: chr17-41197777-C-T.
Other names: 5629G>A; c.1862G>A, p.Trp621Ter (NM_001408508.1); c.1859G>A, p.Trp620Ter (NM_001408509.1); c.1820G>A, p.Trp607Ter (NM_001408510.1); c.1817G>A, p.Trp606Ter (NM_001408511.1); c.1697G>A, p.Trp566Ter (NM_001408512.1); c.5426G>A, p.Trp1809Ter (NM_001407660.1, NM_001407661.1, NM_001407662.1 and 2 more transcripts); c.5387G>A, p.Trp1796Ter (NM_001407664.1, NM_001407665.1, NM_001407666.1 and 3 more transcripts); and 75 more; short protein forms W1837*, W733*, W1858*, W1790*, W1708*, W1709*, W1725*, W1747*.
Identifiers: ClinVar variation 55608 (VCV000055608.28), dbSNP rs80357307, ClinGen allele CA003684.

ClinVar aggregate classification (germline): Pathogenic. Review status: reviewed by expert panel (3 of 4 stars). 12 submissions from 12 submitters: Pathogenic (1). 11 of the submissions do not count toward it. Last evaluated 2016-09-08.

Conditions:
Uterine corpus cancer. Identifiers: MedGen CN277893, MONDO:0006003.
Hereditary cancer-predisposing syndrome. Also called: Hereditary Cancer Syndrome; Hereditary neoplastic syndrome; Neoplastic Syndromes, Hereditary; Tumor predisposition. Identifiers: Orphanet 140162, MedGen C0027672, MeSH D009386, MONDO:0015356.
Hereditary breast ovarian cancer syndrome. Also called: BRCA1- and BRCA2-Associated Hereditary Breast and Ovarian Cancer; Hereditary breast and ovarian cancer syndrome; Hereditary breast and ovarian cancer syndrome (HBOC); Breast and ovarian cancer; Hereditary breast and/or ovarian cancer syndrome; Hereditary breast and ovarian cancer. Identifiers: Orphanet 145, MedGen C0677776, MeSH D061325, MONDO:0003582. Disease mechanism: loss of function.
Breast-ovarian cancer, familial, susceptibility to, 1 (BROVCA1). Also called: BRCA1 Hereditary Breast and Ovarian Cancer; OVARIAN CANCER, SUSCEPTIBILITY TO. Identifiers: Orphanet 145, MedGen C2676676, MONDO:0011450, OMIM 604370. Disease mechanism: loss of function.

Submissions (13):

Evidence-based Network for the Interpretation of Germline Mutant Alleles (ENIGMA)
Classification: Pathogenic for Breast-ovarian cancer, familial, susceptibility to, 1. Last evaluated: 2016-09-08. Review status: reviewed by expert panel. Criteria: ENIGMA BRCA1/2 Classification Criteria (2015). Collection method: curation. Allele origin: germline.
Comment: Variant allele predicted to encode a truncated non-functional protein.

Quest Diagnostics Nichols Institute San Juan Capistrano
Classification: Pathogenic. Last evaluated: 2025-08-22. Review status: criteria provided, single submitter. Criteria: Quest Diagnostics criteria. Collection method: clinical testing. Allele origin: unknown. Not counted in ClinVar's aggregate classification.
Comment: The BRCA1 c.5510G>A (p.Trp1837*) nonsense variant occurs in the last exon of the BRCA1 gene, where it is predicted not to trigger nonsense-mediated decay of the affected transcript but disrupts an important region of the BRCA1 protein, and therefore, is expected to disrupt its function. In the published literature, this variant has been reported in multiple individuals affected with breast and/or ovarian cancer (PMID: 33646313 (2021), 29446198 (2018), 29681614 (2018), 27469594 (2016), 15024741 (2004), 8807330 (1996)). Assessment of experimental evidence suggests this variant results in abnormal protein function (PMID: 11157798 (2001), 30209399 (2018)). This variant has not been reported in large, multi-ethnic general populations (Genome Aggregation Database). Based on the available information, this variant is classified as pathogenic.

Labcorp Genetics (formerly Invitae), Labcorp
Classification: Pathogenic for Hereditary breast ovarian cancer syndrome. Last evaluated: 2025-08-07. Review status: criteria provided, single submitter. Criteria: Invitae Variant Classification Sherloc (09022015). Collection method: clinical testing. Allele origin: germline. Not counted in ClinVar's aggregate classification.
Comment: This sequence change creates a premature translational stop signal (p.Trp1837*) in the BRCA1 gene. While this is not anticipated to result in nonsense mediated decay, it is expected to disrupt the last 27 amino acid(s) of the BRCA1 protein. This variant is not present in population databases (gnomAD no frequency). This premature translational stop signal has been observed in individual(s) with high risk of hereditary breast and/or ovarian cancer (PMID: 29446198). ClinVar contains an entry for this variant (Variation ID: 55608). Algorithms developed to predict the effect of variants on gene product structure and function are not available or were not evaluated for this variant. Experimental studies have shown that this premature translational stop signal affects BRCA1 function (PMID: 11157798, 30209399). This variant disrupts a region of the BRCA1 protein in which other variant(s) (p.Tyr1853*) have been determined to be pathogenic (PMID: 7894493, 10811118, 11739404, 12400015, 20104584, 21922593, 24504028). This suggests that this is a clinically significant region of the protein, and that variants that disrupt it are likely to be disease-causing. For these reasons, this variant has been classified as Pathogenic.

Color Diagnostics, LLC DBA Color Health
Classification: Pathogenic for Hereditary cancer-predisposing syndrome. Last evaluated: 2025-06-30. Review status: criteria provided, single submitter. Criteria: ACMG Guidelines, 2015. Collection method: clinical testing. Allele origin: germline. Not counted in ClinVar's aggregate classification.
Comment: This variant changes 1 nucleotide in exon 23 of the BRCA1 gene, creating a premature translation stop signal in the last coding exon. This variant is predicted to escape nonsense-mediated decay and be expressed as a truncated protein. A functional study has shown that this variant causes a significant decrease in transcriptional activity compared to wild type (PMID: 11157798). This variant has been reported to be loss-of-function in a haploid cell proliferation assay (PMID: 30209399). This variant has been reported in individuals and families affected with breast and/or ovarian cancer (PMID: 15024741, 27469594, 29681614), and has been reported to segregate with breast cancer in one family (PMID: 11157798). This variant has been identified in 5 families among the CIMBA participants (PMID: 29446198). In addition, truncating variants occurring downstream of this variant are known to be disease-causing (ClinVar variation ID: 55618, 266559). This variant has not been identified in the general population by the Genome Aggregation Database (gnomAD). Loss of BRCA1 function is a known mechanism of disease. Based on the available evidence, this variant is classified as Pathogenic.

Ambry Genetics
Classification: Pathogenic for Hereditary cancer-predisposing syndrome. Last evaluated: 2024-12-26. Review status: criteria provided, single submitter. Criteria: Ambry Variant Classification Scheme 2023. Collection method: clinical testing. Allele origin: germline. Not counted in ClinVar's aggregate classification.
Comment: The p.W1837* pathogenic mutation (also known as c.5510G>A), located in coding exon 22 of the BRCA1 gene, results from a G to A substitution at nucleotide position 5510. This alteration occurs at the 3' terminus of theBRCA1 gene, is not expected to trigger nonsense-mediated mRNA decay, and only impacts the last 1.4% of the protein. However, premature stop codons are typically deleterious in nature and the impacted region is critical for protein function (Ambry internal data). This alteration has been identified in multiple individuals diagnosed with breast and/or ovarian cancer (Foretova L et al. Hum Mutat. 2004 Apr;23(4):397-8; Machackova E et al. BMC Cancer 2008 May;8:140; Sokolenko AP et al. Mol. Biol. Rep. 2016 May;43(5):335-8; Liang Y et al. Med Sci Monit, 2018 Apr;24:2465-2475). One functional study found that this nucleotide substitution is non-functional in a high-throughput, genome editing, haploid cell survival assay (Findlay GM et al. Nature, 2018 10;562:217-222). Of note, this alteration is also designated as 5629G>A in published literature. This variant is considered to be rare based on population cohorts in the Genome Aggregation Database (gnomAD). Based on the supporting evidence, this alteration is interpreted as a disease-causing mutation.

Women's Health and Genetics/Laboratory Corporation of America, LabCorp
Classification: Pathogenic for Hereditary breast ovarian cancer syndrome. Last evaluated: 2022-06-03. Review status: criteria provided, single submitter. Criteria: LabCorp Variant Classification Summary - May 2015. Collection method: clinical testing. Allele origin: germline. Not counted in ClinVar's aggregate classification.
Comment: Variant summary: BRCA1 c.5510G>A (p.Trp1837X) results in a premature termination codon in the last exon, predicted to cause a truncation of the encoded protein or absence of the protein due to nonsense mediated decay, which are commonly known mechanisms for disease. A truncation downstream of this position has been classified as pathogenic by our laboratory. The variant was absent in 251336 control chromosomes. c.5510G>A has been reported in the literature in multiple individuals affected with Hereditary Breast And Ovarian Cancer Syndrome (example Couch_1996, Frank_1998, Vallon-Christersson_2001, Foretova_2004, Judkins_2005, Konecny_2011, Donenberg_2016). These data indicate that the variant is very likely to be associated with disease. Six ClinVar submitters (evaluation after 2014) cite the variant as pathogenic. Based on the evidence outlined above, the variant was classified as pathogenic.

Baylor Genetics
Classification: Pathogenic for Breast-ovarian cancer, familial, susceptibility to, 1. Last evaluated: 2022-01-18. Review status: criteria provided, single submitter. Criteria: ACMG Guidelines, 2015. Collection method: clinical testing. Allele origin: unknown. Not counted in ClinVar's aggregate classification.

Institute of Medical Genetics and Applied Genomics, University Hospital Tübingen
Classification: Pathogenic. Last evaluated: 2020-10-23. Review status: criteria provided, single submitter. Criteria: ACMG Guidelines, 2015. Collection method: clinical testing. Allele origin: germline. Inheritance: Unknown mechanism. Affected: yes. Not counted in ClinVar's aggregate classification.

Consortium of Investigators of Modifiers of BRCA1/2 (CIMBA), c/o University of Cambridge
Classification: Pathogenic for Breast-ovarian cancer, familial, susceptibility to, 1. Last evaluated: 2015-10-02. Review status: criteria provided, single submitter. Criteria: CIMBA Mutation Classification guidelines May 2016. Collection method: clinical testing. Allele origin: germline. Not counted in ClinVar's aggregate classification.

CZECANCA consortium
Classification: Pathogenic for Uterine corpus cancer. Last evaluated: 2023-02-21. Review status: no assertion criteria provided. Collection method: clinical testing. Allele origin: germline. Affected: yes. Observed: 1 variant allele. Not counted in ClinVar's aggregate classification.

Research Molecular Genetics Laboratory, Women's College Hospital, University of Toronto
Classification: Pathogenic for Hereditary breast ovarian cancer syndrome. Last evaluated: 2014-01-31. Review status: no assertion criteria provided. Collection method: research. Allele origin: germline. Affected: yes. Study: The Canadian Open Genetics Repository (COGR). Not counted in ClinVar's aggregate classification.

Breast Cancer Information Core (BIC) (BRCA1)
Classification: Pathogenic for Breast-ovarian cancer, familial 1. Last evaluated: 2002-05-29. Review status: no assertion criteria provided. Collection method: clinical testing. Allele origin: germline. Affected: yes. Observed: 7 variant alleles. Not counted in ClinVar's aggregate classification.

Brotman Baty Institute, University of Washington
No classification provided (evidence only). Condition: Breast-ovarian cancer, familial 1. Review status: no classification provided. Collection method: in vitro. Allele origin: not applicable. Functional consequence: functionally_abnormal. Not counted in ClinVar's aggregate classification.
ClinVar note: "not provided" was previously submitted as the classification for the variant. However, the classification appeared to be based only on an observation of functional data so it was converted to no classification on 2025-07-30.

Literature cited by the submitters: PubMed 15024741 (cited by 4 submitters); PubMed 8807330 (cited by Quest Diagnostics Nichols Institute San Juan Capistrano and Women's Health and Genetics/Laboratory Corporation of America, LabCorp); PubMed 27469594 (cited by 3 submitters); PubMed 30209399 (cited by 4 submitters); PubMed 29681614 (cited by 3 submitters); PubMed 11157798 (cited by 4 submitters); PubMed 29446198 (cited by 4 submitters); PubMed 33646313 (cited by Quest Diagnostics Nichols Institute San Juan Capistrano); PubMed 7894493 (cited by Labcorp Genetics (formerly Invitae), Labcorp); PubMed 10811118 (cited by Labcorp Genetics (formerly Invitae), Labcorp); PubMed 11739404 (cited by Labcorp Genetics (formerly Invitae), Labcorp); PubMed 12400015 (cited by Labcorp Genetics (formerly Invitae), Labcorp); PubMed 20104584 (cited by Labcorp Genetics (formerly Invitae), Labcorp); PubMed 21922593 (cited by Labcorp Genetics (formerly Invitae), Labcorp); PubMed 24504028 (cited by Labcorp Genetics (formerly Invitae), Labcorp); PubMed 16267036 (cited by Women's Health and Genetics/Laboratory Corporation of America, LabCorp); PubMed 21203900 (cited by Women's Health and Genetics/Laboratory Corporation of America, LabCorp); PubMed 9667259 (cited by Women's Health and Genetics/Laboratory Corporation of America, LabCorp).